The following is an entry in ClinVar:

NM_001025603.2(RFX5):c.473A>G (p.Lys158Arg)

Gene: RFX5 (regulatory factor X5; minus strand). Cytogenetic location: 1q21.3.
Variant type: single nucleotide variant.
Coding change: c.473A>G on transcript NM_001025603.2 (MANE Select); coding-DNA position 473, A replaced by G.
Protein change: p.Lys158Arg; replaces lysine 158 with arginine.
Molecular consequence: missense variant.
Genome position (GRCh38, 1-based): chr1:151,344,417, T>C on the plus strand (A>G on the coding strand, the complement: RFX5 is on the minus strand). VCF-style: chr1-151344417-T-C. GRCh37 (hg19) VCF-style: chr1-151316893-T-C.
Other names: c.473A>G, p.Lys158Arg (NM_000449.4, NM_001379412.1, NM_001379413.1 and 5 more transcripts); c.353A>G, p.Lys118Arg (NM_001379419.1, NM_001379420.1); short protein forms K158R, K118R.
Identifiers: ClinVar variation 2130286 (VCV002130286.3), dbSNP rs762687997, ClinGen allele CA1089835.

ClinVar aggregate classification (germline): Uncertain significance (1 of 4 stars; one submission).

Conditions:
MHC class II deficiency. Also called: Bare lymphocyte syndrome 2; BLS, TYPE II. Identifiers: Orphanet 572, MedGen C5447452, MONDO:0008855.

Allele frequency attached by ClinVar (database versions not stated): ExAC 0.00001; gnomAD exomes 0.00001.
gnomAD v4.1: 5 of 1,614,222 alleles (0.00031%); highest among the groups gnomAD compares: East Asian, 0.0022%; no homozygotes.

Submission:

Labcorp Genetics (formerly Invitae), Labcorp
Classification: Uncertain significance for MHC class II deficiency. Last evaluated: 2022-04-24. Review status: criteria provided, single submitter. Criteria: Invitae Variant Classification Sherloc (09022015). Collection method: clinical testing. Allele origin: germline.
Comment: In summary, the available evidence is currently insufficient to determine the role of this variant in disease. Therefore, it has been classified as a Variant of Uncertain Significance. Algorithms developed to predict the effect of missense changes on protein structure and function are either unavailable or do not agree on the potential impact of this missense change (SIFT: "Tolerated"; PolyPhen-2: "Possibly Damaging"; Align-GVGD: "Class C0"). This variant has not been reported in the literature in individuals affected with RFX5-related conditions. This variant is present in population databases (rs762687997, gnomAD 0.006%). This sequence change replaces lysine, which is basic and polar, with arginine, which is basic and polar, at codon 158 of the RFX5 protein (p.Lys158Arg).